The following is an entry in ClinVar:

ClinVar aggregate classification (germline): Benign. Review status: criteria provided, single submitter (1 of 4 stars). 2 submissions from 2 submitters: Benign (1). 1 of the submissions does not count toward it. Last evaluated 2025-12-22.

Conditions:
PHIP-related disorder. Also called: PHIP-related condition; PHIP-related disorders.

Allele frequency attached by ClinVar (database versions not stated): ExAC 0.00001; gnomAD exomes 0.00001; TOPMed 0.00006; ESP Exome Variant Server 0.00008; gnomAD 0.00009.
gnomAD v4.1: 21 of 1,612,888 alleles (0.0013%); highest among the groups gnomAD compares: African/African-American, 0.028%; no homozygotes.

Submissions (2):

Labcorp Genetics (formerly Invitae), Labcorp
Classification: Benign. Last evaluated: 2025-12-22. Review status: criteria provided, single submitter. Criteria: Invitae Variant Classification Sherloc (09022015). Collection method: clinical testing. Allele origin: germline.

PreventionGenetics, part of Exact Sciences
Classification: Likely benign for PHIP-related condition. Last evaluated: 2022-03-21. Review status: no assertion criteria provided. Collection method: clinical testing. Allele origin: germline. Not counted in ClinVar's aggregate classification.
Comment: This variant is classified as likely benign based on ACMG/AMP sequence variant interpretation guidelines (Richards et al. 2015 PMID: 25741868, with internal and published modifications).

NM_017934.7(PHIP):c.423T>C (p.Gly141=)

Gene: PHIP (PHIP subunit of CUL4-Ring ligase complex; minus strand). Cytogenetic location: 6q14.1.
Variant type: single nucleotide variant.
Coding change: c.423T>C on transcript NM_017934.7 (MANE Select); coding-DNA position 423, T replaced by C.
Protein change: p.Gly141=; no amino-acid change (glycine 141 retained).
Molecular consequence: synonymous variant.
Genome position (GRCh38, 1-based): chr6:79,060,494, A>G on the plus strand (T>C on the coding strand, the complement: PHIP is on the minus strand). VCF-style: chr6-79060494-A-G. GRCh37 (hg19) VCF-style: chr6-79770211-A-G.
Other names: c.423T>C (NM_017934.6).
Identifiers: ClinVar variation 2173472 (VCV002173472.6), dbSNP rs372185008, ClinGen allele CA3900378.